The following is an entry in ClinVar:

NM_032043.3(BRIP1):c.1113T>C (p.Tyr371=)

Gene: BRIP1 (BRCA1 interacting DNA helicase 1; minus strand). Cytogenetic location: 17q23.2.
Variant type: single nucleotide variant.
Coding change: c.1113T>C on transcript NM_032043.3 (MANE Select); coding-DNA position 1113, T replaced by C.
Protein change: p.Tyr371=; no amino-acid change (tyrosine 371 retained).
Molecular consequence: synonymous variant.
Genome position (GRCh38, 1-based): chr17:61,801,280, A>G on the plus strand (T>C on the coding strand, the complement: BRIP1 is on the minus strand). VCF-style: chr17-61801280-A-G. GRCh37 (hg19) VCF-style: chr17-59878641-A-G.
Identifiers: ClinVar variation 1152649 (VCV001152649.13), dbSNP rs2145332634, ClinGen allele CA501151759.
Genomic context (GRCh38, chr17:61,801,280, plus strand): 5'-GAAGAAGGTTCTCATTTTTACACATATACTCACACTTTCCCTTATTTGTGCATCTAGAAG[A>G]TAGTTGTAGGGACAAAATATGATGTCAGCATCTTGTATTAGTTCTCGGGCTGTGTAATAT-3'
Protein context (NP_114432.2, residues 361-381): DADIIFCPYN[Tyr371=]LLDAQIRESM

ClinVar aggregate classification (germline): Benign/Likely benign. Review status: criteria provided, multiple submitters, no conflicts (2 of 4 stars). 3 submissions from 3 submitters: Benign (1); Likely benign (2). Last evaluated 2024-08-23.

Conditions:
Hereditary cancer-predisposing syndrome. Also called: Hereditary Cancer Syndrome; Hereditary neoplastic syndrome; Neoplastic Syndromes, Hereditary; Tumor predisposition. Identifiers: Orphanet 140162, MedGen C0027672, MeSH D009386, MONDO:0015356.
Familial cancer of breast. Also called: BREAST CANCER, FAMILIAL; Hereditary breast cancer; hereditary breast carcinoma. Identifiers: Orphanet 227535, MedGen C0346153, MONDO:0016419, OMIM 114480. Disease mechanism: loss of function.
Fanconi anemia complementation group J. Also called: BRIP1-Related Fanconi Anemia. Identifiers: Orphanet 84, MedGen C1836860, MONDO:0012187, OMIM 609054.

Submissions (3):

Myriad Genetics, Inc.
Classification: Benign for Familial cancer of breast. Last evaluated: 2024-08-23. Review status: criteria provided, single submitter. Criteria: Myriad Autosomal Dominant, Autosomal Recessive and X-Linked Classification Criteria (2023). Collection method: clinical testing. Allele origin: unknown.
Comment: This variant is considered benign. This variant is a silent/synonymous amino acid change and it is not expected to impact splicing.

Labcorp Genetics (formerly Invitae), Labcorp
Classification: Likely benign for Familial cancer of breast; Fanconi anemia complementation group J. Last evaluated: 2024-05-15. Review status: criteria provided, single submitter. Criteria: Invitae Variant Classification Sherloc (09022015). Collection method: clinical testing. Allele origin: germline.

Ambry Genetics
Classification: Likely benign for Hereditary cancer-predisposing syndrome. Last evaluated: 2022-04-23. Review status: criteria provided, single submitter. Criteria: Ambry Variant Classification Scheme 2023. Collection method: clinical testing. Allele origin: germline.